The following is an entry in ClinVar:

ClinVar aggregate classification (germline): Uncertain significance (1 of 4 stars; one submission).

Conditions:
EP400-associated neurodevelopmental disorder.

Submission:

Institute of Human Genetics, University of Leipzig Medical Center
Classification: Uncertain significance for EP400-associated neurodevelopmental disorder. Last evaluated: 2025-03-11. Review status: criteria provided, single submitter. Criteria: ACMG Guidelines, 2015. Collection method: clinical testing. Allele origin: unknown. Inheritance: Autosomal dominant inheritance. Affected: yes.
Comment: Criteria applied: PM2

Literature cited by the submitters: PubMed 39708813.

NM_015409.5(EP400):c.5512del (p.Gln1838fs)

Gene: EP400 (E1A binding protein p400; plus strand). Cytogenetic location: 12q24.33.
Variant type: Deletion.
Coding change: c.5512del on transcript NM_015409.5 (MANE Select); coding-DNA position 5512, one base deleted (C; older notation c.5512delC).
Protein change: p.Gln1838fs; shifts the reading frame from glutamine 1838.
Molecular consequence: frameshift variant.
Genome position (GRCh38, 1-based): chr12:132,029,831, C deleted; the last of 2 consecutive C bases (chr12:132,029,830-132,029,831); deleting either gives the same sequence. VCF-style (leftmost placement, unchanged base first): chr12-132029829-TC-T. GRCh37 (hg19) VCF-style: chr12-132514374-TC-T.
Other names: short protein forms Q1838fs.
Identifiers: ClinVar variation 3778710 (VCV003778710.1).
Genomic context (GRCh38, chr12:132,029,829, plus strand): 5'-TGTACAGCCACAGAATGAGGATCTTGAGGCAGGGCCTGAGAGAGCACGCTGCGCCGTACT[TC>T]CAGCAGCTGCGGCAGACCACGGCTCCACGCCTGCTGCAGTTCCCTGAGCTGAGGCTGGTG-3'